The following is an entry in ClinVar:

ClinVar aggregate classification (germline): Uncertain significance. Review status: criteria provided, multiple submitters, no conflicts (2 of 4 stars). 2 submissions from 2 submitters: Uncertain significance (2). Last evaluated 2024-09-07.

Conditions:
X-linked dominant chondrodysplasia, Chassaing-Lacombe type. Also called: Chondrodysplasia with platyspondyly, distinctive brachydactyly, hydrocephaly, and microphthalmia. Identifiers: Orphanet 163966, MedGen C3275476, MONDO:0010463, OMIM 300863.

gnomAD v4.1: 4 of 1,208,719 alleles (0.00033%); highest among the groups gnomAD compares: Admixed American, 0.0022%; no homozygotes.

Submissions (2):

Ambry Genetics
Classification: Uncertain significance. Last evaluated: 2024-09-07. Review status: criteria provided, single submitter. Criteria: Ambry Variant Classification Scheme 2023. Collection method: clinical testing. Allele origin: germline.

Juno Genomics, Hangzhou Juno Genomics, Inc
Classification: Uncertain significance for X-linked dominant chondrodysplasia, Chassaing-Lacombe type. Review status: criteria provided, single submitter. Criteria: ACMG Guidelines, 2015. Collection method: clinical testing. Allele origin: germline.
Comment: Absent from controls (or at extremely low frequency if recessive) in Genome Aggregation Database.;Multiple lines of computational evidence support a deleterious effect on the gene or gene product.

NM_006044.4(HDAC6):c.1669C>T (p.Arg557Trp)

Gene: HDAC6 (histone deacetylase 6; plus strand). Cytogenetic location: Xp11.23.
Variant type: single nucleotide variant.
Coding change: c.1669C>T on transcript NM_006044.4 (MANE Select); coding-DNA position 1669, C replaced by T.
Protein change: p.Arg557Trp; replaces arginine 557 with tryptophan.
Molecular consequence: missense variant. On other transcripts: non-coding transcript variant (1).
Genome position (GRCh38, 1-based): chrX:48,816,511, C>T. VCF-style: chrX-48816511-C-T. GRCh37 (hg19) VCF-style: chrX-48674918-C-T.
Other names: c.1711C>T, p.Arg571Trp (NM_001321225.2); c.1669C>T, p.Arg557Trp (NM_001321226.2, NM_001321227.2, NM_001321228.2 and 1 more transcripts); short protein forms R571W, R557W.
Identifiers: ClinVar variation 3524440 (VCV003524440.3).
Genomic context (GRCh38, chrX:48,816,511, plus strand): 5'-CTCTGTGCTTCCAGTGCTGAGTACGTGGGTCATCTCCGGGCCACAGAGAAAATGAAAACC[C>T]GGGAGCTGCACCGTGAGAGTTCCAACTTTGACTCCATCTATATCTGCCCCAGTACCTTCG-3'
Protein context (NP_006035.2, residues 547-567): HLRATEKMKT[Arg557Trp]ELHRESSNFD